The following is an entry in ClinVar:

ClinVar aggregate classification (germline): Uncertain significance (1 of 4 stars; one submission).

Submission:

Ambry Genetics
Classification: Uncertain significance. Last evaluated: 2025-02-09. Review status: criteria provided, single submitter. Criteria: Ambry Variant Classification Scheme 2023. Collection method: clinical testing. Allele origin: germline.
Comment: The p.R315K variant (also known as c.944G>A), located in coding exon 1 of the CDK12 gene, results from a G to A substitution at nucleotide position 944. The arginine at codon 315 is replaced by lysine, an amino acid with highly similar properties. This amino acid position is conserved. In addition, this alteration is predicted to be tolerated by in silico analysis. Based on the available evidence, the clinical significance of this variant remains unclear.

NM_016507.4(CDK12):c.944G>A (p.Arg315Lys)

Genes: CDK12 (cyclin dependent kinase 12; plus strand), LOC126862553 (CDK7 strongly-dependent group 2 enhancer GRCh37_chr17:37618166-37619365; plus strand). Cytogenetic location: 17q12.
Variant type: single nucleotide variant.
Coding change: c.944G>A on transcript NM_016507.4 (MANE Select); coding-DNA position 944, G replaced by A.
Protein change: p.Arg315Lys; replaces arginine 315 with lysine.
Molecular consequence: missense variant.
Genome position (GRCh38, 1-based): chr17:39,463,015, G>A. VCF-style: chr17-39463015-G-A. GRCh37 (hg19) VCF-style: chr17-37619268-G-A.
Other names: c.944G>A, p.Arg315Lys (NM_015083.4); short protein forms R315K.
Identifiers: ClinVar variation 3830643 (VCV003830643.1).